The following is an entry in ClinVar:

NM_173500.4(TTBK2):c.3010G>T (p.Glu1004Ter)

Gene: TTBK2 (tau tubulin kinase 2; minus strand). Cytogenetic location: 15q15.2.
Variant type: single nucleotide variant.
Coding change: c.3010G>T on transcript NM_173500.4 (MANE Select); coding-DNA position 3010, G replaced by T.
Protein change: p.Glu1004Ter; replaces glutamic acid 1004 with a stop codon.
Molecular consequence: nonsense.
Genome position (GRCh38, 1-based): chr15:42,752,236, C>A on the plus strand (G>T on the coding strand, the complement: TTBK2 is on the minus strand). VCF-style: chr15-42752236-C-A. GRCh37 (hg19) VCF-style: chr15-43044434-C-A.
Other names: short protein forms E1004*.
Identifiers: ClinVar variation 4883812 (VCV004883812.2).

ClinVar aggregate classification (germline): Likely pathogenic (1 of 4 stars; one submission).

Submission:

Dasa
Classification: Likely pathogenic. Last evaluated: 2025-12-19. Review status: criteria provided, single submitter. Criteria: DASA Assertion Criteria. Collection method: clinical testing. Allele origin: germline.
Comment: NM_173500.4(TTBK2):c.3010G>T (p.Glu1004*) is a nonsense variant in TTBK2 predicted to introduce a premature termination codon and is predicted to result in an absent or altered protein product. Loss of function is an established disease mechanism for TTBK2-associated disorders. Also, this variant is rare in population databases. Based on the currently available evidence, this variant is classified as likely pathogenic.